The following is an entry in ClinVar:

ClinVar aggregate classification (germline): Uncertain significance (1 of 4 stars; one submission).

Conditions:
Alzheimer disease. Also called: Alzheimer's disease; Presenile and senile dementia. Identifiers: Orphanet 1020, MedGen C0002395, MeSH D000544, MONDO:0004975, HP:0002511.

Allele frequency attached by ClinVar (database versions not stated): TOPMed below 0.00001; ExAC 0.00001; gnomAD 0.00001; gnomAD exomes 0.00001 and 0.00002.
gnomAD v4.1: 30 of 1,613,984 alleles (0.0019%); highest among the groups gnomAD compares: Admixed American, 0.0033%; no homozygotes.

Submission:

Labcorp Genetics (formerly Invitae), Labcorp
Classification: Uncertain significance for Alzheimer disease. Last evaluated: 2024-12-02. Review status: criteria provided, single submitter. Criteria: Invitae Variant Classification Sherloc (09022015). Collection method: clinical testing. Allele origin: germline.
Comment: This sequence change replaces histidine, which is basic and polar, with tyrosine, which is neutral and polar, at codon 44 of the APP protein (p.His44Tyr). This variant is present in population databases (rs774281569, gnomAD 0.003%). This variant has not been reported in the literature in individuals affected with APP-related conditions. ClinVar contains an entry for this variant (Variation ID: 1484099). Invitae Evidence Modeling of protein sequence and biophysical properties (such as structural, functional, and spatial information, amino acid conservation, physicochemical variation, residue mobility, and thermodynamic stability) has been performed for this missense variant. However, the output from this modeling did not meet the statistical confidence thresholds required to predict the impact of this variant on APP protein function. In summary, the available evidence is currently insufficient to determine the role of this variant in disease. Therefore, it has been classified as a Variant of Uncertain Significance.

NM_000484.4(APP):c.130C>T (p.His44Tyr)

Gene: APP (amyloid beta precursor protein; minus strand). Cytogenetic location: 21q21.3.
Variant type: single nucleotide variant.
Coding change: c.130C>T on transcript NM_000484.4 (MANE Select); coding-DNA position 130, C replaced by T.
Protein change: p.His44Tyr; replaces histidine 44 with tyrosine.
Molecular consequence: missense variant. On other transcripts: intron variant (2).
Genome position (GRCh38, 1-based): chr21:26,112,074, G>A on the plus strand (C>T on the coding strand, the complement: APP is on the minus strand). VCF-style: chr21-26112074-G-A. GRCh37 (hg19) VCF-style: chr21-27484391-G-A.
Other names: c.115C>T, p.His39Tyr (NM_001136016.3); c.25C>T, p.His9Tyr (NM_001136131.3); c.130C>T, p.His44Tyr (NM_001204301.2, NM_001204302.2, NM_001204303.2 and 3 more transcripts); c.58-22002C>T (NM_001136129.3, NM_001136130.3); short protein forms H44Y, H39Y, H9Y.
Identifiers: ClinVar variation 1484099 (VCV001484099.6), dbSNP rs774281569, ClinGen allele CA9987747.